The following is an entry in ClinVar:

ClinVar aggregate classification (germline): Uncertain significance (1 of 4 stars; one submission).

Conditions:
Arrhythmogenic cardiomyopathy with wooly hair and keratoderma. Also called: Dilated cardiomyopathy with woolly hair and keratoderma; Carvajal syndrome; PALMOPLANTAR KERATODERMA WITH LEFT VENTRICULAR CARDIOMYOPATHY AND WOOLLY HAIR; Arrhythmogenic cardiomyopathy with woolly hair and keratoderma. Identifiers: Orphanet 65282, MedGen C1854063, MONDO:0011581, OMIM 605676.
Arrhythmogenic right ventricular dysplasia 8 (ARVD8). Also called: ARRHYTHMOGENIC RIGHT VENTRICULAR DYSPLASIA, FAMILIAL, 8; ARRHYTHMOGENIC RIGHT VENTRICULAR CARDIOMYOPATHY 8; Arrhythmogenic Right Ventricular Dysplasia/Cardiomyopathy 8. Identifiers: MedGen C1843896, MONDO:0011831, OMIM 607450.

Submission:

Labcorp Genetics (formerly Invitae), Labcorp
Classification: Uncertain significance for Arrhythmogenic cardiomyopathy with wooly hair and keratoderma; Arrhythmogenic right ventricular dysplasia 8. Last evaluated: 2020-03-09. Review status: criteria provided, single submitter. Criteria: Invitae Variant Classification Sherloc (09022015). Collection method: clinical testing. Allele origin: germline.
Comment: This sequence change replaces leucine with arginine at codon 2049 of the DSP protein (p.Leu2049Arg). The leucine residue is highly conserved and there is a moderate physicochemical difference between leucine and arginine. This variant is not present in population databases (ExAC no frequency). This variant has not been reported in the literature in individuals with DSP-related conditions. Algorithms developed to predict the effect of missense changes on protein structure and function (SIFT, PolyPhen-2, Align-GVGD) all suggest that this variant is likely to be disruptive, but these predictions have not been confirmed by published functional studies and their clinical significance is uncertain. In summary, the available evidence is currently insufficient to determine the role of this variant in disease. Therefore, it has been classified as a Variant of Uncertain Significance.

NM_004415.4(DSP):c.6146T>G (p.Leu2049Arg)

Gene: DSP (desmoplakin; plus strand). Cytogenetic location: 6p24.3.
Variant type: single nucleotide variant.
Coding change: c.6146T>G on transcript NM_004415.4 (MANE Select); coding-DNA position 6146, T replaced by G.
Protein change: p.Leu2049Arg; replaces leucine 2049 with arginine.
Molecular consequence: missense variant.
Genome position (GRCh38, 1-based): chr6:7,583,408, T>G. VCF-style: chr6-7583408-T-G. GRCh37 (hg19) VCF-style: chr6-7583641-T-G.
Other names: c.4349T>G, p.Leu1450Arg (NM_001008844.3); c.4817T>G, p.Leu1606Arg (NM_001319034.2); short protein forms L1606R, L1450R, L2049R.
Identifiers: ClinVar variation 1034783 (VCV001034783.9), dbSNP rs1759516965, ClinGen allele CA362690178.